The following is an entry in ClinVar:

NM_213618.2(DENND2B):c.2010C>T (p.His670=)

Gene: DENND2B (DENN domain containing 2B; minus strand). Cytogenetic location: 11p15.4.
Variant type: single nucleotide variant.
Coding change: c.2010C>T on transcript NM_213618.2 (MANE Select); coding-DNA position 2010, C replaced by T.
Protein change: p.His670=; no amino-acid change (histidine 670 retained).
Molecular consequence: synonymous variant. On other transcripts: non-coding transcript variant (8), intron variant (1).
Genome position (GRCh38, 1-based): chr11:8,712,713, G>A on the plus strand (C>T on the coding strand, the complement: DENND2B is on the minus strand). VCF-style: chr11-8712713-G-A. GRCh37 (hg19) VCF-style: chr11-8734260-G-A.
Other names: c.2010C>T, p.His670= (NM_001376495.1, NM_001376496.1, NM_001376497.1 and 1 more transcripts); c.1470C>T, p.His490= (NM_001376499.1); c.1329C>T, p.His443= (NM_001376500.1); c.750C>T, p.His250= (NM_001376501.1, NM_001376502.1, NM_001376503.1 and 1 more transcripts); c.534C>T, p.His178= (NM_001376504.1); c.426C>T, p.His142= (NM_001376505.1, NM_001376506.1); c.1845+2890C>T (NM_001376498.1).
Identifiers: ClinVar variation 708399 (VCV000708399.17), dbSNP rs61756193, ClinGen allele CA5873987.

ClinVar aggregate classification (germline): Benign. Review status: criteria provided, multiple submitters, no conflicts (2 of 4 stars). 3 submissions from 3 submitters: Benign (3). Last evaluated 2024-10-01.

Allele frequency attached by ClinVar (database versions not stated): 1000 Genomes Project 30x 0.00219; 1000 Genomes Project 0.00260; ESP Exome Variant Server 0.00308; gnomAD 0.00318 and 0.00340; TOPMed 0.00341; gnomAD exomes 0.00469; ExAC 0.00555.
gnomAD v4.1: 7,509 of 1,612,954 alleles (0.47%); highest among the groups gnomAD compares: Middle Eastern, 2.3%; 44 homozygotes.

Submissions (3):

CeGaT Center for Human Genetics Tuebingen
Classification: Benign. Last evaluated: 2024-10-01. Review status: criteria provided, single submitter. Criteria: CeGaT Center For Human Genetics Tuebingen Variant Classification Criteria Version 2. Collection method: clinical testing. Allele origin: germline. Affected: yes. Observed: 1 variant allele.
Comment: DENND2B: BP4, BS1, BS2

Labcorp Genetics (formerly Invitae), Labcorp
Classification: Benign. Last evaluated: 2018-03-02. Review status: criteria provided, single submitter. Criteria: Invitae Variant Classification Sherloc (09022015). Collection method: clinical testing. Allele origin: germline.

Breakthrough Genomics
Classification: Benign. Review status: criteria provided, single submitter. Criteria: ACMG Guidelines, 2015. Collection method: not provided. Allele origin: germline. Inheritance: Unknown mechanism. Affected: yes.